The following is an entry in ClinVar:

NM_001242908.2(RSPO1):c.91C>T (p.Arg31Trp)

Gene: RSPO1 (R-spondin 1; minus strand). Cytogenetic location: 1p34.3.
Variant type: single nucleotide variant.
Coding change: c.91C>T on transcript NM_001242908.2 (MANE Select); coding-DNA position 91, C replaced by T.
Protein change: p.Arg31Trp; replaces arginine 31 with tryptophan.
Molecular consequence: missense variant. On other transcripts: intron variant (1).
Genome position (GRCh38, 1-based): chr1:37,629,571, G>A on the plus strand (C>T on the coding strand, the complement: RSPO1 is on the minus strand). VCF-style: chr1-37629571-G-A. GRCh37 (hg19) VCF-style: chr1-38095243-G-A.
Other names: c.91C>T, p.Arg31Trp (NM_001038633.4, NM_001242910.2); c.13+318C>T (NM_001242909.2); short protein forms R31W.
Identifiers: ClinVar variation 4806745 (VCV004806745.1).

ClinVar aggregate classification (germline): Uncertain significance (1 of 4 stars; one submission).

gnomAD v4.1: 25 of 1,613,762 alleles (0.0015%); highest among the groups gnomAD compares: Middle Eastern, 0.016%; no homozygotes.

Submission:

Labcorp Genetics (formerly Invitae), Labcorp
Classification: Uncertain significance. Last evaluated: 2025-08-15. Review status: criteria provided, single submitter. Criteria: Invitae Variant Classification Sherloc (09022015). Collection method: clinical testing. Allele origin: germline.
Comment: This sequence change replaces arginine, which is basic and polar, with tryptophan, which is neutral and slightly polar, at codon 31 of the RSPO1 protein (p.Arg31Trp). This variant is present in population databases (rs772445254, gnomAD 0.03%). This variant has not been reported in the literature in individuals affected with RSPO1-related conditions. An algorithm developed to predict the effect of missense changes on protein structure and function (PolyPhen-2) suggests that this variant is likely to be disruptive. Algorithms developed to predict the effect of sequence changes on RNA splicing suggest that this variant may disrupt the consensus splice site. In summary, the available evidence is currently insufficient to determine the role of this variant in disease. Therefore, it has been classified as a Variant of Uncertain Significance.